The following is an entry in ClinVar:

ClinVar aggregate classification (germline): Pathogenic (1 of 4 stars; one submission).

Conditions:
Dilated cardiomyopathy 1G (CMD1G). Identifiers: Orphanet 154, MedGen C1858763, MONDO:0011400, OMIM 604145.
Autosomal recessive limb-girdle muscular dystrophy type 2J (LGMDR10). Also called: Limb-girdle muscular dystrophy, type 2J; MUSCULAR DYSTROPHY, LIMB-GIRDLE, AUTOSOMAL RECESSIVE 10. Identifiers: Orphanet 140922, MedGen C1837342, MONDO:0012127, OMIM 608807.

Submission:

Labcorp Genetics (formerly Invitae), Labcorp
Classification: Pathogenic for Dilated cardiomyopathy 1G; Limb-girdle muscular dystrophy, type 2J. Last evaluated: 2018-09-19. Review status: criteria provided, single submitter. Criteria: Invitae Variant Classification Sherloc (09022015). Collection method: clinical testing. Allele origin: germline.
Comment: This sequence change results in a premature translational stop signal in the TTN gene (p.Tyr17082Leufs*20).Â¬â€ While this is not anticipated to result in nonsense mediated decay, it is expected to create a truncated TTN protein. This variant is not present in population databases (ExAC no frequency). This variant has been observed to be de novo in an individual affected withÂ¬â€ dilated cardiomyopathyÂ¬â€ (Invitae). This variant is located in the A band of TTN (PMID:Â¬â€ 25589632).Â¬â€ Truncating variants in this region are significantly overrepresented in patients affected with dilated cardiomyopathy (PMID:Â¬â€ 25589632).Â¬â€ Truncating variants in this region have also been reported in individuals affected with autosomal recessive centronuclear myopathy (PMID:Â¬â€ 23975875). For these reasons, this variant has been classified as Pathogenic.

NM_001267550.2(TTN):c.51244dup (p.Tyr17082fs)

Genes: TTN-AS1 (TTN antisense RNA 1; plus strand), TTN (titin; minus strand). Cytogenetic location: 2q31.2.
Variant type: Duplication.
Coding change: c.51244dup on transcript NM_001267550.2 (MANE Select); coding-DNA position 51244, one base duplicated (T; older notation c.51244dupT).
Protein change: p.Tyr17082fs; shifts the reading frame from tyrosine 17082.
Molecular consequence: frameshift variant.
Genome position (GRCh38, 1-based): chr2:178,610,282, A duplicated on the plus strand (T on the coding strand, the reverse complement: TTN is on the minus strand); the first of 2 consecutive A bases (chr2:178,610,282-178,610,283); duplicating either gives the same sequence. VCF-style (leftmost placement, unchanged base first): chr2-178610281-T-TA. GRCh37 (hg19) VCF-style: chr2-179475008-T-TA.
Other names: c.46321dup, p.Tyr15441fs (NM_001256850.1); c.24049dup, p.Tyr8017fs (NM_003319.4); c.43540dup, p.Tyr14514fs (NM_133378.4); c.51244dupT (NM_001267550.2); c.24424dup, p.Tyr8142fs (NM_133432.3); c.24625dup, p.Tyr8209fs (NM_133437.4); short protein forms Y8209fs, Y14514fs, Y15441fs, Y17082fs, Y8142fs, Y8017fs.
Identifiers: ClinVar variation 646940 (VCV000646940.1), dbSNP rs1576402791, ClinGen allele CA915942201.